The following is an entry in ClinVar:

ClinVar aggregate classification (germline): Uncertain significance. Review status: criteria provided, multiple submitters, no conflicts (2 of 4 stars). 2 submissions from 2 submitters: Uncertain significance (2). Last evaluated 2025-01-06.

Conditions:
Developmental and epileptic encephalopathy, 34 (DEE34). Also called: Early infantile epileptic encephalopathy 34; SLC12A5-Related Epilepsy of Infancy with Migrating Focal Seizures. Identifiers: Orphanet 293181, MedGen C4225257, MONDO:0014718, OMIM 616645.

Allele frequency attached by ClinVar (database versions not stated): TOPMed below 0.00001.
gnomAD v4.1: 13 of 1,611,348 alleles (0.00081%); highest among the groups gnomAD compares: South Asian, 0.0022%; no homozygotes.

Submissions (2):

Dasa
Classification: Uncertain significance. Last evaluated: 2025-01-06. Review status: criteria provided, single submitter. Criteria: DASA Assertion Criteria. Collection method: clinical testing. Allele origin: germline.
Comment: NM_020708.5(SLC12A5):c.2926G>A (p.Asp976Asn) is a missense variant that results in the substitution of aspartic acid with asparagine. This variant is rare in population databases. Computational prediction algorithms are consistent with a benign effect. The currently available literature and clinical evidence are not sufficient to establish a definitive association between this variant and the reported condition. Therefore, this variant is classified as a variant of uncertain significance.

Labcorp Genetics (formerly Invitae), Labcorp
Classification: Uncertain significance for Developmental and epileptic encephalopathy, 34. Last evaluated: 2022-05-31. Review status: criteria provided, single submitter. Criteria: Invitae Variant Classification Sherloc (09022015). Collection method: clinical testing. Allele origin: germline.
Comment: This sequence change replaces aspartic acid, which is acidic and polar, with asparagine, which is neutral and polar, at codon 976 of the SLC12A5 protein (p.Asp976Asn). The frequency data for this variant in the population databases is considered unreliable, as metrics indicate poor data quality at this position in the gnomAD database. This variant has not been reported in the literature in individuals affected with SLC12A5-related conditions. Advanced modeling of protein sequence and biophysical properties (such as structural, functional, and spatial information, amino acid conservation, physicochemical variation, residue mobility, and thermodynamic stability) performed at Invitae indicates that this missense variant is not expected to disrupt SLC12A5 protein function. In summary, the available evidence is currently insufficient to determine the role of this variant in disease. Therefore, it has been classified as a Variant of Uncertain Significance.

NM_020708.5(SLC12A5):c.2926G>A (p.Asp976Asn)

Gene: SLC12A5 (solute carrier family 12 member 5; plus strand). Cytogenetic location: 20q13.12.
Variant type: single nucleotide variant.
Coding change: c.2926G>A on transcript NM_020708.5 (MANE Select); coding-DNA position 2926, G replaced by A.
Protein change: p.Asp976Asn; replaces aspartic acid 976 with asparagine.
Molecular consequence: missense variant.
Genome position (GRCh38, 1-based): chr20:46,056,380, G>A. VCF-style: chr20-46056380-G-A. GRCh37 (hg19) VCF-style: chr20-44685019-G-A.
Other names: c.2995G>A, p.Asp999Asn (NM_001134771.2); short protein forms D999N, D976N.
Identifiers: ClinVar variation 1903072 (VCV001903072.4), dbSNP rs765995687, ClinGen allele CA409207585.